The following is an entry in ClinVar:

NM_001004334.4(GPR179):c.6078A>T (p.Arg2026Ser)

Gene: GPR179 (G protein-coupled receptor 179; minus strand). Cytogenetic location: 17q12.
Variant type: single nucleotide variant.
Coding change: c.6078A>T on transcript NM_001004334.4 (MANE Select); coding-DNA position 6078, A replaced by T.
Protein change: p.Arg2026Ser; replaces arginine 2026 with serine.
Molecular consequence: missense variant.
Genome position (GRCh38, 1-based): chr17:38,327,491, T>A on the plus strand (A>T on the coding strand, the complement: GPR179 is on the minus strand). VCF-style: chr17-38327491-T-A. GRCh37 (hg19) VCF-style: chr17-36483374-T-A.
Other names: c.6078A>T (NM_001004334.2); short protein forms R2026S.
Identifiers: ClinVar variation 1466055 (VCV001466055.7), dbSNP rs181425775, ClinGen allele CA290103141.

ClinVar aggregate classification (germline): Uncertain significance. Review status: criteria provided, multiple submitters, no conflicts (2 of 4 stars). 3 submissions from 3 submitters: Uncertain significance (3). Last evaluated 2023-12-22.

Conditions:
Inborn genetic diseases. Identifiers: MedGen C0950123, MeSH D030342.

Allele frequency attached by ClinVar (database versions not stated): gnomAD exomes 0.00001 and 0.00003; ExAC 0.00002; gnomAD 0.00012; TOPMed 0.00012; 1000 Genomes Project 30x 0.00016; 1000 Genomes Project 0.00020; ESP Exome Variant Server 0.00025.
gnomAD v4.1: 32 of 1,614,236 alleles (0.002%); highest among the groups gnomAD compares: African/African-American, 0.033%; no homozygotes.

Submissions (3):

Ambry Genetics
Classification: Uncertain significance for Inborn genetic diseases. Last evaluated: 2023-12-22. Review status: criteria provided, single submitter. Criteria: Ambry Variant Classification Scheme 2023. Collection method: clinical testing. Allele origin: germline.

Blueprint Genetics
Classification: Uncertain significance. Last evaluated: 2022-11-08. Review status: criteria provided, single submitter. Criteria: ACMG Guidelines, 2015. Collection method: clinical testing. Allele origin: germline.

Labcorp Genetics (formerly Invitae), Labcorp
Classification: Uncertain significance. Last evaluated: 2022-08-06. Review status: criteria provided, single submitter. Criteria: Invitae Variant Classification Sherloc (09022015). Collection method: clinical testing. Allele origin: germline.
Comment: In summary, the available evidence is currently insufficient to determine the role of this variant in disease. Therefore, it has been classified as a Variant of Uncertain Significance. Algorithms developed to predict the effect of sequence changes on RNA splicing suggest that this variant may create or strengthen a splice site. This sequence change replaces arginine, which is basic and polar, with serine, which is neutral and polar, at codon 2026 of the GPR179 protein (p.Arg2026Ser). This variant is present in population databases (rs181425775, gnomAD 0.05%). This variant has not been reported in the literature in individuals affected with GPR179-related conditions. ClinVar contains an entry for this variant (Variation ID: 1466055). Algorithms developed to predict the effect of missense changes on protein structure and function output the following: SIFT: "Tolerated"; PolyPhen-2: "Benign"; Align-GVGD: "Class C0". The serine amino acid residue is found in multiple mammalian species, which suggests that this missense change does not adversely affect protein function.